The following is an entry in ClinVar:

NM_006302.3(MOGS):c.2033G>A (p.Arg678Gln)

Gene: MOGS (mannosyl-oligosaccharide glucosidase; minus strand). Cytogenetic location: 2p13.1.
Variant type: single nucleotide variant.
Coding change: c.2033G>A on transcript NM_006302.3 (MANE Select); coding-DNA position 2033, G replaced by A.
Protein change: p.Arg678Gln; replaces arginine 678 with glutamine.
Molecular consequence: missense variant.
Genome position (GRCh38, 1-based): chr2:74,461,756, C>T on the plus strand (G>A on the coding strand, the complement: MOGS is on the minus strand). VCF-style: chr2-74461756-C-T. GRCh37 (hg19) VCF-style: chr2-74688883-C-T.
Other names: c.2033G>A, p.Arg678Gln (LRG_1226t1); c.1715G>A, p.Arg572Gln (NM_001146158.2); short protein forms R678Q, R572Q.
Identifiers: ClinVar variation 660102 (VCV000660102.9), dbSNP rs776932912, ClinGen allele CA1724672.

ClinVar aggregate classification (germline): Uncertain significance (1 of 4 stars; one submission).

Conditions:
MOGS-congenital disorder of glycosylation. Also called: GLUCOSIDASE I DEFICIENCY; CDG 2B; MOGS-CDG; CDG IIb. Identifiers: Orphanet 79330, MedGen C1853736, MONDO:0011629, OMIM 606056.

Allele frequency attached by ClinVar (database versions not stated): TOPMed 0.00001.
gnomAD v4.1: 17 of 1,614,194 alleles (0.0011%); highest among the groups gnomAD compares: South Asian, 0.0033%; no homozygotes.

Submission:

Labcorp Genetics (formerly Invitae), Labcorp
Classification: Uncertain significance for MOGS-congenital disorder of glycosylation. Last evaluated: 2024-02-24. Review status: criteria provided, single submitter. Criteria: Invitae Variant Classification Sherloc (09022015). Collection method: clinical testing. Allele origin: germline.
Comment: This sequence change replaces arginine, which is basic and polar, with glutamine, which is neutral and polar, at codon 678 of the MOGS protein (p.Arg678Gln). This variant is present in population databases (rs776932912, gnomAD 0.006%). This variant has not been reported in the literature in individuals affected with MOGS-related conditions. ClinVar contains an entry for this variant (Variation ID: 660102). Algorithms developed to predict the effect of missense changes on protein structure and function output the following: SIFT: "Not Available"; PolyPhen-2: "Benign"; Align-GVGD: "Not Available". The glutamine amino acid residue is found in multiple mammalian species, which suggests that this missense change does not adversely affect protein function. In summary, the available evidence is currently insufficient to determine the role of this variant in disease. Therefore, it has been classified as a Variant of Uncertain Significance.